The following is an entry in ClinVar:

NM_000026.4(ADSL):c.1095C>A (p.Tyr365Ter)

Gene: ADSL (adenylosuccinate lyase; plus strand). Cytogenetic location: 22q13.1.
Variant type: single nucleotide variant.
Coding change: c.1095C>A on transcript NM_000026.4 (MANE Select); coding-DNA position 1095, C replaced by A.
Protein change: p.Tyr365Ter; replaces tyrosine 365 with a stop codon.
Molecular consequence: nonsense. On other transcripts: non-coding transcript variant (1).
Genome position (GRCh38, 1-based): chr22:40,363,065, C>A. VCF-style: chr22-40363065-C-A. GRCh37 (hg19) VCF-style: chr22-40759069-C-A.
Other names: c.1095C>A, p.Tyr365Ter (NM_001123378.3, NM_001363840.3); c.903C>A, p.Tyr301Ter (NM_001317923.2); short protein forms Y365*, Y301*.
Identifiers: ClinVar variation 620542 (VCV000620542.6), dbSNP rs879257322, ClinGen allele CA324459346.

ClinVar aggregate classification (germline): Pathogenic/Likely pathogenic. Review status: criteria provided, multiple submitters, no conflicts (2 of 4 stars). 2 submissions from 2 submitters: Pathogenic (1); Likely pathogenic (1). Last evaluated 2024-10-17.

Conditions:
Adenylosuccinate lyase deficiency (ADSLD). Also called: ADSL DEFICIENCY. Identifiers: Orphanet 46, MedGen C0268126, MONDO:0007068, OMIM 103050.

Allele frequency attached by ClinVar (database versions not stated): gnomAD exomes below 0.00001; TOPMed 0.00001.
gnomAD v4.1: 1 of 1,613,638 alleles (0.000062%); highest among the groups gnomAD compares: Non-Finnish European, 0.000085%; no homozygotes.

Submissions (2):

Labcorp Genetics (formerly Invitae), Labcorp
Classification: Pathogenic for Adenylosuccinate lyase deficiency. Last evaluated: 2024-10-17. Review status: criteria provided, single submitter. Criteria: Invitae Variant Classification Sherloc (09022015). Collection method: clinical testing. Allele origin: germline.
Comment: This sequence change creates a premature translational stop signal (p.Tyr365*) in the ADSL gene. It is expected to result in an absent or disrupted protein product. Loss-of-function variants in ADSL are known to be pathogenic (PMID: 10888601, 20177786). This variant is not present in population databases (gnomAD no frequency). This variant has not been reported in the literature in individuals affected with ADSL-related conditions. ClinVar contains an entry for this variant (Variation ID: 620542). For these reasons, this variant has been classified as Pathogenic.

GeneDx
Classification: Likely pathogenic. Last evaluated: 2021-02-19. Review status: criteria provided, single submitter. Criteria: GeneDx Variant Classification Process June 2021. Collection method: clinical testing. Allele origin: germline. Affected: yes.
Comment: Nonsense variant predicted to result in protein truncation or nonsense mediated decay in a gene for which loss-of-function is a known mechanism of disease; Not observed in large population cohorts (Lek et al., 2016); Has not been previously published as pathogenic or benign to our knowledge

Literature cited by the submitters: PubMed 10888601 (cited by Labcorp Genetics (formerly Invitae), Labcorp); PubMed 20177786 (cited by Labcorp Genetics (formerly Invitae), Labcorp).